The following is an entry in ClinVar:

ClinVar aggregate classification (germline): Benign/Likely benign. Review status: criteria provided, multiple submitters, no conflicts (2 of 4 stars). 3 submissions from 3 submitters: Benign (1); Likely benign (2). Last evaluated 2026-03-01.

Conditions:
Kabuki syndrome 2 (KABUK2). Also called: KDM6A-Related Kabuki Syndrome. Identifiers: Orphanet 2322, MedGen C3275495, MONDO:0010465, OMIM 300867.

Allele frequency attached by ClinVar (database versions not stated): ExAC 0.00008; ESP Exome Variant Server 0.00009; gnomAD exomes 0.00009; TOPMed 0.00009; gnomAD 0.00015.
gnomAD v4.1: 110 of 1,209,612 alleles (0.0091%); highest among the groups gnomAD compares: Middle Eastern, 0.023%; no homozygotes.

Submissions (3):

CeGaT Center for Human Genetics Tuebingen
Classification: Likely benign. Last evaluated: 2026-03-01. Review status: criteria provided, single submitter. Criteria: CeGaT Center For Human Genetics Tuebingen Variant Classification Criteria Version 2. Collection method: clinical testing. Allele origin: germline. Affected: yes. Observed: 2 variant alleles.
Comment: KDM6A: BP4, BP7, BS2

Labcorp Genetics (formerly Invitae), Labcorp
Classification: Benign for Kabuki syndrome 2. Last evaluated: 2025-08-21. Review status: criteria provided, single submitter. Criteria: Invitae Variant Classification Sherloc (09022015). Collection method: clinical testing. Allele origin: germline.

Blueprint Genetics
Classification: Likely benign. Last evaluated: 2024-05-06. Review status: criteria provided, single submitter. Criteria: ACMG Guidelines, 2015. Collection method: clinical testing. Allele origin: germline.

NM_001291415.2(KDM6A):c.2421G>A (p.Thr807=)

Gene: KDM6A (lysine demethylase 6A; plus strand). Cytogenetic location: Xp11.3.
Variant type: single nucleotide variant.
Coding change: c.2421G>A on transcript NM_001291415.2 (MANE Select); coding-DNA position 2421, G replaced by A.
Protein change: p.Thr807=; no amino-acid change (threonine 807 retained).
Molecular consequence: synonymous variant. On other transcripts: non-coding transcript variant (1).
Genome position (GRCh38, 1-based): chrX:45,069,920, G>A. VCF-style: chrX-45069920-G-A. GRCh37 (hg19) VCF-style: chrX-44929165-G-A.
Other names: c.2286G>A, p.Thr762= (NM_001291416.2); c.2130G>A, p.Thr710= (NM_001291417.2); c.2028G>A, p.Thr676= (NM_001291418.2); c.1377G>A, p.Thr459= (NM_001291421.2); c.2265G>A, p.Thr755= (NM_021140.4).
Identifiers: ClinVar variation 1599924 (VCV001599924.25), dbSNP rs374758648, ClinGen allele CA10392510.